The following is an entry in ClinVar:

NM_020297.4(ABCC9):c.3169G>A (p.Val1057Ile)

Gene: ABCC9 (ATP binding cassette subfamily C member 9; minus strand). Cytogenetic location: 12p12.1.
Variant type: single nucleotide variant.
Coding change: c.3169G>A on transcript NM_020297.4 (MANE Select); coding-DNA position 3169, G replaced by A.
Protein change: p.Val1057Ile; replaces valine 1057 with isoleucine.
Molecular consequence: missense variant.
Genome position (GRCh38, 1-based): chr12:21,844,843, C>T on the plus strand (G>A on the coding strand, the complement: ABCC9 is on the minus strand). VCF-style: chr12-21844843-C-T. GRCh37 (hg19) VCF-style: chr12-21997777-C-T.
Other names: c.3169G>A, p.Val1057Ile (NM_001377273.1, NM_005691.4); c.2302G>A, p.Val768Ile (NM_001377274.1); short protein forms V1057I, V768I.
Identifiers: ClinVar variation 1969966 (VCV001969966.5), dbSNP rs2541072863, ClinGen allele CA384118634.

ClinVar aggregate classification (germline): Uncertain significance (1 of 4 stars; one submission).

Conditions:
Dilated cardiomyopathy 1O (CMD1O). Also called: CARDIOMYOPATHY, DILATED, WITH VENTRICULAR TACHYCARDIA. Identifiers: Orphanet 154, MedGen C1837839, MONDO:0012062, OMIM 608569.

Allele frequency attached by ClinVar (database versions not stated): gnomAD exomes below 0.00001.
gnomAD v4.1: 2 of 1,613,922 alleles (0.00012%); highest among the groups gnomAD compares: Non-Finnish European, 0.00017%; no homozygotes.

Submission:

Labcorp Genetics (formerly Invitae), Labcorp
Classification: Uncertain significance for Dilated cardiomyopathy 1O. Last evaluated: 2022-03-09. Review status: criteria provided, single submitter. Criteria: Invitae Variant Classification Sherloc (09022015). Collection method: clinical testing. Allele origin: germline.
Comment: Algorithms developed to predict the effect of missense changes on protein structure and function (SIFT, PolyPhen-2, Align-GVGD) all suggest that this variant is likely to be tolerated. In summary, the available evidence is currently insufficient to determine the role of this variant in disease. Therefore, it has been classified as a Variant of Uncertain Significance. This variant has not been reported in the literature in individuals affected with ABCC9-related conditions. This variant is not present in population databases (gnomAD no frequency). This sequence change replaces valine, which is neutral and non-polar, with isoleucine, which is neutral and non-polar, at codon 1057 of the ABCC9 protein (p.Val1057Ile).